The following is an entry in ClinVar:

NM_153252.5(BRWD3):c.3084G>A (p.Pro1028=)

Gene: BRWD3 (bromodomain and WD repeat domain containing 3; minus strand). Cytogenetic location: Xq21.1.
Variant type: single nucleotide variant.
Coding change: c.3084G>A on transcript NM_153252.5 (MANE Select); coding-DNA position 3084, G replaced by A.
Protein change: p.Pro1028=; no amino-acid change (proline 1028 retained).
Molecular consequence: synonymous variant.
Genome position (GRCh38, 1-based): chrX:80,695,975, C>T on the plus strand (G>A on the coding strand, the complement: BRWD3 is on the minus strand). VCF-style: chrX-80695975-C-T. GRCh37 (hg19) VCF-style: chrX-79951474-C-T.
Identifiers: ClinVar variation 3047422 (VCV003047422.3), dbSNP rs182952484, ClinGen allele CA10461902.

ClinVar aggregate classification (germline): Benign. Review status: criteria provided, single submitter (1 of 4 stars). 2 submissions from 2 submitters: Benign (1). 1 of the submissions does not count toward it. Last evaluated 2025-11-25.

Conditions:
BRWD3-related disorder. Also called: BRWD3-related condition.

Allele frequency attached by ClinVar (database versions not stated): gnomAD 0.00013; gnomAD exomes 0.00013; 1000 Genomes Project 30x 0.00021; ExAC 0.00025; 1000 Genomes Project 0.00026.
gnomAD v4.1: 154 of 1,204,662 alleles (0.013%); highest among the groups gnomAD compares: South Asian, 0.025%; no homozygotes.

Submissions (2):

Labcorp Genetics (formerly Invitae), Labcorp
Classification: Benign. Last evaluated: 2025-11-25. Review status: criteria provided, single submitter. Criteria: Invitae Variant Classification Sherloc (09022015). Collection method: clinical testing. Allele origin: germline.

PreventionGenetics, part of Exact Sciences
Classification: Likely benign for BRWD3-related condition. Last evaluated: 2022-09-15. Review status: no assertion criteria provided. Collection method: clinical testing. Allele origin: germline. Not counted in ClinVar's aggregate classification.
Comment: This variant is classified as likely benign based on ACMG/AMP sequence variant interpretation guidelines (Richards et al. 2015 PMID: 25741868, with internal and published modifications).